The following is an entry in ClinVar:

ClinVar aggregate classification (germline): Uncertain significance (1 of 4 stars; one submission).

Conditions:
Inborn genetic diseases. Identifiers: MedGen C0950123, MeSH D030342.

Submission:

Ambry Genetics
Classification: Uncertain significance for Inborn genetic diseases. Last evaluated: 2023-07-03. Review status: criteria provided, single submitter. Criteria: Ambry Variant Classification Scheme 2023. Collection method: clinical testing. Allele origin: germline.
Comment: The p.N2051S variant (also known as c.6152A>G), located in coding exon 42 of the LRRK2 gene, results from an A to G substitution at nucleotide position 6152. The asparagine at codon 2051 is replaced by serine, an amino acid with highly similar properties. This amino acid position is conserved. In addition, the in silico prediction for this alteration is inconclusive. Since supporting evidence is limited at this time, the clinical significance of this alteration remains unclear.

NM_198578.4(LRRK2):c.6152A>G (p.Asn2051Ser)

Gene: LRRK2 (leucine rich repeat kinase 2; plus strand). Cytogenetic location: 12q12.
Variant type: single nucleotide variant.
Coding change: c.6152A>G on transcript NM_198578.4 (MANE Select); coding-DNA position 6152, A replaced by G.
Protein change: p.Asn2051Ser; replaces asparagine 2051 with serine.
Molecular consequence: missense variant.
Genome position (GRCh38, 1-based): chr12:40,346,795, A>G. VCF-style: chr12-40346795-A-G. GRCh37 (hg19) VCF-style: chr12-40740597-A-G.
Other names: short protein forms N2051S.
Identifiers: ClinVar variation 2587247 (VCV002587247.2), dbSNP rs2499966775, ClinGen allele CA384405422.